The following is an entry in ClinVar:

NM_003265.3(TLR3):c.1927C>T (p.Arg643Cys)

Gene: TLR3 (toll like receptor 3; plus strand). Cytogenetic location: 4q35.1.
Variant type: single nucleotide variant.
Coding change: c.1927C>T on transcript NM_003265.3 (MANE Select); coding-DNA position 1927, C replaced by T.
Protein change: p.Arg643Cys; replaces arginine 643 with cysteine.
Molecular consequence: missense variant.
Genome position (GRCh38, 1-based): chr4:186,083,613, C>T. VCF-style: chr4-186083613-C-T. GRCh37 (hg19) VCF-style: chr4-187004767-C-T.
Other names: short protein forms R643C.
Identifiers: ClinVar variation 838950 (VCV000838950.10), dbSNP rs73025939, ClinGen allele CA3161495.

ClinVar aggregate classification (germline): Uncertain significance (1 of 4 stars; one submission).

Conditions:
Encephalopathy, acute, infection-induced (herpes-specific), susceptibility to, 1. Also called: Herpes simplex encephalitis, susceptibility to, 1. Identifiers: Orphanet 1930, MedGen C2750180, MONDO:0024563, OMIM 610551.

Allele frequency attached by ClinVar (database versions not stated): TOPMed 0.00002.
gnomAD v4.1: 156 of 1,605,604 alleles (0.0097%); highest among the groups gnomAD compares: Non-Finnish European, 0.012%; no homozygotes.

Submission:

Labcorp Genetics (formerly Invitae), Labcorp
Classification: Uncertain significance for Encephalopathy, acute, infection-induced (herpes-specific), susceptibility to, 1. Last evaluated: 2025-09-22. Review status: criteria provided, single submitter. Criteria: Invitae Variant Classification Sherloc (09022015). Collection method: clinical testing. Allele origin: germline.
Comment: This sequence change replaces arginine, which is basic and polar, with cysteine, which is neutral and slightly polar, at codon 643 of the TLR3 protein (p.Arg643Cys). This variant is present in population databases (rs73025939, gnomAD 0.01%). This variant has not been reported in the literature in individuals affected with TLR3-related conditions. ClinVar contains an entry for this variant (Variation ID: 838950). An algorithm developed to predict the effect of missense changes on protein structure and function (PolyPhen-2) suggests that this variant is likely to be disruptive. In summary, the available evidence is currently insufficient to determine the role of this variant in disease. Therefore, it has been classified as a Variant of Uncertain Significance.